The following is an entry in ClinVar:

NM_006231.4(POLE):c.4149+4G>A

Gene: POLE (DNA polymerase epsilon, catalytic subunit; minus strand). Cytogenetic location: 12q24.33.
Variant type: single nucleotide variant.
Coding change: c.4149+4G>A on transcript NM_006231.4 (MANE Select); 4 bases into the intron after coding-DNA position 4149, G replaced by A.
Molecular consequence: intron variant.
Genome position (GRCh38, 1-based): chr12:132,648,925, C>T on the plus strand (G>A on the coding strand, the complement: POLE is on the minus strand). VCF-style: chr12-132648925-C-T. GRCh37 (hg19) VCF-style: chr12-133225511-C-T.
Identifiers: ClinVar variation 660713 (VCV000660713.14), dbSNP rs1265596566, ClinGen allele CA685543056.

ClinVar aggregate classification (germline): Conflicting classifications of pathogenicity. Review status: criteria provided, conflicting classifications (1 of 4 stars). 2 submissions from 2 submitters: Uncertain significance (1); Likely benign (1). Last evaluated 2025-08-18.

Conditions:
Hereditary cancer-predisposing syndrome. Also called: Hereditary neoplastic syndrome; Neoplastic Syndromes, Hereditary; Hereditary Cancer Syndrome; Tumor predisposition. Identifiers: Orphanet 140162, MedGen C0027672, MeSH D009386, MONDO:0015356.

Allele frequency attached by ClinVar (database versions not stated): gnomAD exomes below 0.00001; TOPMed 0.00001.
gnomAD v4.1: 1 of 1,610,540 alleles (0.000062%); highest among the groups gnomAD compares: Non-Finnish European, 0.000085%; no homozygotes.

Submissions (2):

Labcorp Genetics (formerly Invitae), Labcorp
Classification: Likely benign. Last evaluated: 2025-08-18. Review status: criteria provided, single submitter. Criteria: Invitae Variant Classification Sherloc (09022015). Collection method: clinical testing. Allele origin: germline.

Ambry Genetics
Classification: Uncertain significance for Hereditary cancer-predisposing syndrome. Last evaluated: 2025-05-28. Review status: criteria provided, single submitter. Criteria: Ambry Variant Classification Scheme 2023. Collection method: clinical testing. Allele origin: germline.
Comment: The c.4149+4G>A intronic variant results from a G to A substitution 4 nucleotides after coding exon 32 in the POLE gene. This nucleotide position is poorly conserved in available vertebrate species. In silico splice site analysis predicts that this alteration will not have any significant effect on splicing. Based on the available evidence, the clinical significance of this variant remains unclear.